The following is an entry in ClinVar:

ClinVar aggregate classification (germline): Uncertain significance (1 of 4 stars; one submission).

Submission:

GeneDx
Classification: Uncertain significance. Last evaluated: 2024-02-20. Review status: criteria provided, single submitter. Criteria: GeneDx Variant Classification Process June 2021. Collection method: clinical testing. Allele origin: germline. Affected: yes.
Comment: Not observed at significant frequency in large population cohorts (gnomAD); In-frame deletion of 8 amino acids in a non-repeat region; In silico analysis supports that this variant does not alter protein structure/function; Has not been previously published as pathogenic or benign to our knowledge

NM_013275.6(ANKRD11):c.4495_4518del (p.Glu1499_Asp1506del)

Gene: ANKRD11 (ankyrin repeat domain containing 11; minus strand). Cytogenetic location: 16q24.3.
Variant type: Deletion.
Coding change: c.4495_4518del on transcript NM_013275.6 (MANE Select); coding-DNA positions 4495 to 4518, 24 bases deleted (GAGCAGAAGCCCGCCACCAGGGAC).
Protein change: p.Glu1499_Asp1506del.
Molecular consequence: inframe deletion.
Genome position (GRCh38, 1-based): chr16:89,282,024-89,282,047, GTCCCTGGTGGCGGGCTTCTGCTC deleted on the plus strand (GAGCAGAAGCCCGCCACCAGGGAC on the coding strand, the reverse complement: ANKRD11 is on the minus strand); deleting any 24 consecutive bases within chr16:89,282,024-89,282,054 gives the same sequence; the c. name uses the placement nearest the transcript's 3' end. VCF-style (leftmost placement, unchanged base first): chr16-89282023-TGTCCCTGGTGGCGGGCTTCTGCTC-T. GRCh37 (hg19) VCF-style: chr16-89348431-TGTCCCTGGTGGCGGGCTTCTGCTC-T.
Other names: c.4495_4518del, p.Glu1499_Asp1506del (NM_001256182.2, NM_001256183.2).
Identifiers: ClinVar variation 3340926 (VCV003340926.1).